The following is an entry in ClinVar:

ClinVar aggregate classification (germline): Likely pathogenic. Review status: criteria provided, single submitter (1 of 4 stars). 2 submissions from 2 submitters: Likely pathogenic (1). 1 of the submissions does not count toward it. Last evaluated 2024-03-26.

Conditions:
Familial thoracic aortic aneurysm and aortic dissection (TAAD). Also called: Thoracic aortic aneurysms and dissections. Identifiers: Orphanet 91387, MedGen C4707243, MONDO:0019625.
Congenital aneurysm of ascending aorta (AAT1). Also called: Aortic aneurysm, thoracic; Familial thoracic aortic aneurysm; AORTIC ANEURYSM, FAMILIAL THORACIC 1; ANNULOAORTIC ECTASIA. Identifiers: Orphanet 229, MedGen C0345050, MONDO:0024559, OMIM 607086.
Acute aortic dissection. Identifiers: MedGen C0241868.

Submissions (2):

Ambry Genetics
Classification: Likely pathogenic for Familial thoracic aortic aneurysm and aortic dissection. Last evaluated: 2024-03-26. Review status: criteria provided, single submitter. Criteria: Ambry Variant Classification Scheme 2023. Collection method: clinical testing. Allele origin: germline.
Comment: The p.C2289F variant (also known as c.6866G>T), located in coding exon 55 of the FBN1 gene, results from a G to T substitution at nucleotide position 6866. The cysteine at codon 2289 is replaced by phenylalanine, an amino acid with highly dissimilar properties. The majority of FBN1 mutations identified to date have involved the substitution or generation of cysteine residues within cbEGF domains (Vollbrandt T et al. J Biol Chem. 2004;279(31):32924-32931). Internal structural analysis indicates this alteration eliminates a disulfide bond critical for the structural integrity of the cbEGF35 domain (Ambry internal data). Another variant at the same codon, p.C2289Y (c.6866G>A), has been detected in two patients with reported to have classic Marfan syndrome and 1 patient with incomplete Marfan syndrome (Stheneur C et al, Eur. J. Hum. Genet. 2009 Sep; 17(9):1121-8). This amino acid position is highly conserved in available vertebrate species. In addition, this alteration is predicted to be deleterious by in silico analysis. This variant is considered to be rare based on population cohorts in the Genome Aggregation Database (gnomAD). Based on the majority of available evidence to date, this variant is likely to be pathogenic.

University of Washington Center for Mendelian Genomics, University of Washington
Classification: Likely pathogenic for Familial thoracic aortic aneurysms; Acute aortic dissections. Last evaluated: 2016-01-20. Review status: no assertion criteria provided. Collection method: research. Allele origin: unknown. Affected: yes. Not counted in ClinVar's aggregate classification.

Literature cited by the submitters: PubMed 19293843 (cited by Ambry Genetics); PubMed 26621581 (cited by Ambry Genetics and University of Washington Center for Mendelian Genomics, University of Washington).

NM_000138.5(FBN1):c.6866G>T (p.Cys2289Phe)

Gene: FBN1 (fibrillin 1; minus strand). Cytogenetic location: 15q21.1.
Variant type: single nucleotide variant.
Coding change: c.6866G>T on transcript NM_000138.5 (MANE Select); coding-DNA position 6866, G replaced by T.
Protein change: p.Cys2289Phe; replaces cysteine 2289 with phenylalanine.
Molecular consequence: missense variant.
Genome position (GRCh38, 1-based): chr15:48,430,676, C>A on the plus strand (G>T on the coding strand, the complement: FBN1 is on the minus strand). VCF-style: chr15-48430676-C-A. GRCh37 (hg19) VCF-style: chr15-48722873-C-A.
Other names: short protein forms C2289F.
Identifiers: ClinVar variation 617871 (VCV000617871.3), dbSNP rs1566894230, ClinGen allele CA392331870.